The following is an entry in ClinVar:

NM_000492.4(CFTR):c.2489A>G (p.Lys830Arg)

Gene: CFTR (CF transmembrane conductance regulator; plus strand). Cytogenetic location: 7q31.2.
Variant type: single nucleotide variant.
Coding change: c.2489A>G on transcript NM_000492.4 (MANE Select); coding-DNA position 2489, A replaced by G.
Protein change: p.Lys830Arg; replaces lysine 830 with arginine.
Molecular consequence: missense variant.
Genome position (GRCh38, 1-based): chr7:117,592,656, A>G. VCF-style: chr7-117592656-A-G. GRCh37 (hg19) VCF-style: chr7-117232710-A-G.
Other names: short protein forms K830R.
Identifiers: ClinVar variation 3231861 (VCV003231861.1), dbSNP rs2485110969, ClinGen allele CA368981802.

ClinVar aggregate classification (germline): Uncertain significance (1 of 4 stars; one submission).

Conditions:
Cystic fibrosis (CF). Also called: MUCOVISCIDOSIS. Identifiers: Orphanet 586, MedGen C0010674, MONDO:0009061, OMIM 219700. Disease mechanism: loss of function.

Submission:

Ambry Genetics
Classification: Uncertain significance for Cystic fibrosis. Last evaluated: 2023-12-29. Review status: criteria provided, single submitter. Criteria: Ambry Variant Classification Scheme 2023. Collection method: clinical testing. Allele origin: germline.
Comment: The p.K830R variant (also known as c.2489A>G), located in coding exon 14 of the CFTR gene, results from an A to G substitution at nucleotide position 2489. The lysine at codon 830 is replaced by arginine, an amino acid with highly similar properties. This amino acid position is conserved. In addition, the in silico prediction for this alteration is inconclusive. Since supporting evidence is limited at this time, the clinical significance of this alteration remains unclear.